The following is an entry in ClinVar:

ClinVar aggregate classification (germline): Conflicting classifications of pathogenicity. Review status: criteria provided, conflicting classifications (1 of 4 stars). 3 submissions from 3 submitters: Uncertain significance (2); Likely benign (1). Last evaluated 2025-01-16.

Conditions:
Hereditary cancer-predisposing syndrome. Also called: Neoplastic Syndromes, Hereditary; Tumor predisposition; Hereditary Cancer Syndrome; Hereditary neoplastic syndrome. Identifiers: Orphanet 140162, MedGen C0027672, MeSH D009386, MONDO:0015356.
Fanconi anemia (FA). Also called: Fanconi's anemia. Identifiers: Orphanet 84, MedGen C0015625, MeSH D005199, MONDO:0019391.

gnomAD v4.1: 3 of 1,614,074 alleles (0.00019%); highest among the groups gnomAD compares: Non-Finnish European, 0.00025%; no homozygotes.

Submissions (3):

GeneDx
Classification: Uncertain significance. Last evaluated: 2025-01-16. Review status: criteria provided, single submitter. Criteria: GeneDx Variant Classification Process June 2021. Collection method: clinical testing. Allele origin: germline. Affected: yes.
Comment: Not observed at significant frequency in large population cohorts (gnomAD); In silico analysis indicates that this missense variant does not alter protein structure/function; Has not been previously published as pathogenic or benign to our knowledge; This variant is associated with the following publications: (PMID: Gordon2000[Book])

Labcorp Genetics (formerly Invitae), Labcorp
Classification: Uncertain significance for Fanconi anemia. Last evaluated: 2021-08-24. Review status: criteria provided, single submitter. Criteria: Invitae Variant Classification Sherloc (09022015). Collection method: clinical testing. Allele origin: germline.
Comment: This sequence change replaces valine with leucine at codon 38 of the FANCC protein (p.Val38Leu). The valine residue is weakly conserved and there is a small physicochemical difference between valine and leucine. This variant is not present in population databases (ExAC no frequency). This variant has not been reported in the literature in individuals affected with FANCC-related conditions. ClinVar contains an entry for this variant (Variation ID: 456150). Algorithms developed to predict the effect of missense changes on protein structure and function output the following: SIFT: "Tolerated"; PolyPhen-2: "Benign"; Align-GVGD: "Class C0". The leucine amino acid residue is found in multiple mammalian species, which suggests that this missense change does not adversely affect protein function. In summary, the available evidence is currently insufficient to determine the role of this variant in disease. Therefore, it has been classified as a Variant of Uncertain Significance.

Ambry Genetics
Classification: Likely benign for Hereditary cancer-predisposing syndrome. Last evaluated: 2020-01-17. Review status: criteria provided, single submitter. Criteria: Ambry Variant Classification Scheme 2023. Collection method: clinical testing. Allele origin: germline.

NM_000136.3(FANCC):c.112G>C (p.Val38Leu)

Gene: FANCC (FA complementation group C; minus strand). Cytogenetic location: 9q22.32.
Variant type: single nucleotide variant.
Coding change: c.112G>C on transcript NM_000136.3 (MANE Select); coding-DNA position 112, G replaced by C.
Protein change: p.Val38Leu; replaces valine 38 with leucine.
Molecular consequence: missense variant.
Genome position (GRCh38, 1-based): chr9:95,249,180, C>G on the plus strand (G>C on the coding strand, the complement: FANCC is on the minus strand). VCF-style: chr9-95249180-C-G. GRCh37 (hg19) VCF-style: chr9-98011462-C-G.
Other names: c.112G>C, p.Val38Leu (NM_001243743.2, NM_001243744.2); short protein forms V38L.
Identifiers: ClinVar variation 456150 (VCV000456150.9), dbSNP rs778951584, ClinGen allele CA374340308.
Genomic context (GRCh38, chr9:95,249,180, plus strand): 5'-TACTTACCATCTCTTTCAAGGCTTCATACATCTTCCTTAGGAACTCCTGGAACTGAGCCA[C>G]GTGAAGACAGGTGTCTTGCTGGGTTTCCAAAGTGGAAGCCTGATCCCATACAGAAAGCTT-3'
Protein context (NP_000127.2, residues 28-48): LETQQDTCLH[Val38Leu]AQFQEFLRKM